The following is an entry in ClinVar:

ClinVar aggregate classification (germline): Uncertain significance. Review status: criteria provided, multiple submitters, no conflicts (2 of 4 stars). 2 submissions from 2 submitters: Uncertain significance (2). Last evaluated 2025-04-16.

Allele frequency attached by ClinVar (database versions not stated): ExAC 0.00001; gnomAD 0.00001; gnomAD exomes 0.00001.
gnomAD v4.1: 9 of 1,612,658 alleles (0.00056%); highest among the groups gnomAD compares: Non-Finnish European, 0.00076%; no homozygotes.

Submissions (2):

Labcorp Genetics (formerly Invitae), Labcorp
Classification: Uncertain significance. Last evaluated: 2025-04-16. Review status: criteria provided, single submitter. Criteria: Invitae Variant Classification Sherloc (09022015). Collection method: clinical testing. Allele origin: germline.
Comment: This sequence change replaces valine, which is neutral and non-polar, with leucine, which is neutral and non-polar, at codon 329 of the RBP3 protein (p.Val329Leu). This variant is present in population databases (rs782136590, gnomAD 0.002%). This variant has not been reported in the literature in individuals affected with RBP3-related conditions. ClinVar contains an entry for this variant (Variation ID: 1939222). Invitae Evidence Modeling of protein sequence and biophysical properties (such as structural, functional, and spatial information, amino acid conservation, physicochemical variation, residue mobility, and thermodynamic stability) indicates that this missense variant is not expected to disrupt RBP3 protein function with a negative predictive value of 80%. In summary, the available evidence is currently insufficient to determine the role of this variant in disease. Therefore, it has been classified as a Variant of Uncertain Significance.

Blueprint Genetics
Classification: Uncertain significance. Last evaluated: 2022-06-13. Review status: criteria provided, single submitter. Criteria: ACMG Guidelines, 2015. Collection method: clinical testing. Allele origin: germline.

NM_002900.3(RBP3):c.985G>T (p.Val329Leu)

Gene: RBP3 (retinol binding protein 3; plus strand). Cytogenetic location: 10q11.22.
Variant type: single nucleotide variant.
Coding change: c.985G>T on transcript NM_002900.3 (MANE Select); coding-DNA position 985, G replaced by T.
Protein change: p.Val329Leu; replaces valine 329 with leucine.
Molecular consequence: missense variant.
Genome position (GRCh38, 1-based): chr10:47,349,469, G>T. VCF-style: chr10-47349469-G-T. GRCh37 (hg19) VCF-style: chr10-48389893-C-A.
Other names: short protein forms V329L.
Identifiers: ClinVar variation 1939222 (VCV001939222.4), dbSNP rs782136590, ClinGen allele CA5487637.